The following is an entry in ClinVar:

ClinVar aggregate classification (germline): Uncertain significance (0 of 4 stars; one submission).

Conditions:
Cardiomyopathy (CMYO). Also called: Cardiomyopathies. Identifiers: Orphanet 167848, MedGen C0878544, MONDO:0004994, HP:0001638. Inheritance: Various modes of inheritance.

Submission:

Evolutionary and Medical Genetics Laboratory,  Centre for Cellular and Molecular Biology
Classification: Uncertain significance. Review status: no assertion criteria provided. Collection method: not provided. Allele origin: unknown.
ClinVar note: Converted during submission from unknown to Uncertain significance.

NM_001018005.2(TPM1):c.620del (p.Leu207fs)

Gene: TPM1 (tropomyosin 1; plus strand). Cytogenetic location: 15q22.2.
Variant type: Deletion.
Coding change: c.620del on transcript NM_001018005.2 (MANE Select); coding-DNA position 620, one base deleted (T; older notation c.620delT).
Protein change: p.Leu207fs; shifts the reading frame from leucine 207.
Molecular consequence: frameshift variant. On other transcripts: intron variant (6).
Genome position (GRCh38, 1-based): chr15:63,061,769, T deleted. VCF-style (leftmost placement, unchanged base first): chr15-63061768-CT-C. GRCh37 (hg19) VCF-style: chr15-63353967-CT-C.
Other names: c.620del, p.Leu207fs (NM_001018004.2, NM_001018007.2, NM_001301244.2 and 3 more transcripts); c.512del, p.Leu171fs (NM_001018008.2, NM_001301289.2, NM_001330346.2 and 2 more transcripts); c.746del, p.Leu249fs (NM_001365778.1); c.640-446del (NM_001018020.2, NM_001018006.2, NM_000366.6); c.532-446del (NM_001330351.2, NM_001330344.2, NM_001365781.2); short protein forms L171fs, L249fs, L207fs.
Identifiers: ClinVar variation 157495 (VCV000157495.2), dbSNP rs587777905, ClinGen allele CA018219.
Genomic context (GRCh38, chr15:63,061,768, plus strand): 5'-ATTAGCAAATGTGCCGAGCTTGAAGAAGAATTGAAAACTGTGACGAACAACTTGAAGTCA[CT>C]GGAGGCTCAGGCTGAGAAGGTAGGCCAGGAGGATGGTGTGGGGGAAAGGCATCTTTTAAG-3'